The following is an entry in ClinVar:

NM_000094.4(COL7A1):c.6154G>A (p.Gly2052Arg)

Gene: COL7A1 (collagen type VII alpha 1 chain; minus strand). Cytogenetic location: 3p21.31.
Variant type: single nucleotide variant.
Coding change: c.6154G>A on transcript NM_000094.4 (MANE Select); coding-DNA position 6154, G replaced by A.
Protein change: p.Gly2052Arg; replaces glycine 2052 with arginine.
Molecular consequence: missense variant.
Genome position (GRCh38, 1-based): chr3:48,575,365, C>T on the plus strand (G>A on the coding strand, the complement: COL7A1 is on the minus strand). VCF-style: chr3-48575365-C-T. GRCh37 (hg19) VCF-style: chr3-48612798-C-T.
Other names: short protein forms G2052R.
Identifiers: ClinVar variation 3375226 (VCV003375226.1).

ClinVar aggregate classification (germline): Uncertain significance (1 of 4 stars; one submission).

Submission:

Women's Health and Genetics/Laboratory Corporation of America, LabCorp
Classification: Uncertain significance. Last evaluated: 2024-09-30. Review status: criteria provided, single submitter. Criteria: LabCorp Variant Classification Summary - May 2015. Collection method: clinical testing. Allele origin: germline.
Comment: Variant summary: COL7A1 c.6154G>A (p.Gly2052Arg) results in a non-conservative amino acid change located in the Collagen triple helix repeat (IPR008160) of the encoded protein sequence. Five of five in-silico tools predict a damaging effect of the variant on protein function. The variant was absent in 246424 control chromosomes (gnomAD). The available data on variant occurrences in the general population are insufficient to allow any conclusion about variant significance. c.6154G>A has been reported in the literature in at least an individual affected with autosomal dominant Dystrophic Epidermolysis Bullosa (example: Has_2018). This data does not allow any conclusion about variant significance. To our knowledge, no experimental evidence demonstrating an impact on protein function has been reported. The following publication has been ascertained in the context of this evaluation (PMID: 29242947). No submitters have cited clinical-significance assessments for this variant to ClinVar. Based on the evidence outlined above, the variant was classified as uncertain significance.

Literature cited by the submitters: PubMed 29242947.